The following is an entry in ClinVar:

ClinVar aggregate classification (germline): Uncertain significance (1 of 4 stars; one submission).

Conditions:
Nemaline myopathy 8 (NEM8). Also called: Nemaline myopathy 8, autosomal recessive. Identifiers: Orphanet 171430, MedGen C3809209, MONDO:0014138, OMIM 615348.

Allele frequency attached by ClinVar (database versions not stated): gnomAD exomes below 0.00001; gnomAD 0.00001; TOPMed 0.00002.
gnomAD v4.1: 3 of 1,613,916 alleles (0.00019%); highest among the groups gnomAD compares: African/African-American, 0.0027%; no homozygotes.

Submission:

Labcorp Genetics (formerly Invitae), Labcorp
Classification: Uncertain significance for Nemaline myopathy 8. Last evaluated: 2022-08-16. Review status: criteria provided, single submitter. Criteria: Invitae Variant Classification Sherloc (09022015). Collection method: clinical testing. Allele origin: germline.
Comment: This variant has not been reported in the literature in individuals affected with KLHL40-related conditions. In summary, the available evidence is currently insufficient to determine the role of this variant in disease. Therefore, it has been classified as a Variant of Uncertain Significance. Algorithms developed to predict the effect of missense changes on protein structure and function (SIFT, PolyPhen-2, Align-GVGD) all suggest that this variant is likely to be disruptive. This variant is present in population databases (no rsID available, gnomAD 0.007%). This sequence change replaces tyrosine, which is neutral and polar, with cysteine, which is neutral and slightly polar, at codon 339 of the KLHL40 protein (p.Tyr339Cys).

NM_152393.4(KLHL40):c.1016A>G (p.Tyr339Cys)

Gene: KLHL40 (kelch like family member 40; plus strand). Cytogenetic location: 3p22.1.
Variant type: single nucleotide variant.
Coding change: c.1016A>G on transcript NM_152393.4 (MANE Select); coding-DNA position 1016, A replaced by G.
Protein change: p.Tyr339Cys; replaces tyrosine 339 with cysteine.
Molecular consequence: missense variant.
Genome position (GRCh38, 1-based): chr3:42,686,634, A>G. VCF-style: chr3-42686634-A-G. GRCh37 (hg19) VCF-style: chr3-42728126-A-G.
Other names: short protein forms Y339C.
Identifiers: ClinVar variation 2164791 (VCV002164791.3), dbSNP rs902379148, ClinGen allele CA74192072.